The following is an entry in ClinVar:

ClinVar aggregate classification (germline): Pathogenic (1 of 4 stars; one submission).

Conditions:
Autosomal recessive limb-girdle muscular dystrophy type 2A (LGMDR1). Also called: Limb-girdle muscular dystrophy, type 2A; Calpainopathy; Muscular dystrophy, limb-girdle, type 2A, Amish; LEYDEN-MOEBIUS MUSCULAR DYSTROPHY; MUSCULAR DYSTROPHY, PELVOFEMORAL. Identifiers: Orphanet 267, MedGen C1869123, MONDO:0009675, OMIM 253600. Disease mechanism: loss of function.

Allele frequency attached by ClinVar (database versions not stated): gnomAD exomes below 0.00001.

Submission:

Labcorp Genetics (formerly Invitae), Labcorp
Classification: Pathogenic for Autosomal recessive limb-girdle muscular dystrophy type 2A. Last evaluated: 2023-12-02. Review status: criteria provided, single submitter. Criteria: Invitae Variant Classification Sherloc (09022015). Collection method: clinical testing. Allele origin: germline.
Comment: This sequence change creates a premature translational stop signal (p.His334Glnfs*18) in the CAPN3 gene. It is expected to result in an absent or disrupted protein product. Loss-of-function variants in CAPN3 are known to be pathogenic (PMID: 10330340, 15689361). This variant is not present in population databases (gnomAD no frequency). This variant has not been reported in the literature in individuals affected with CAPN3-related conditions. For these reasons, this variant has been classified as Pathogenic.

Literature cited by the submitters: PubMed 10330340; PubMed 15689361.

NM_000070.3(CAPN3):c.1002del (p.His334fs)

Gene: CAPN3 (calpain 3; plus strand). Cytogenetic location: 15q15.1.
Variant type: Deletion.
Coding change: c.1002del on transcript NM_000070.3 (MANE Select); coding-DNA position 1002, one base deleted (C; older notation c.1002delC).
Protein change: p.His334fs; shifts the reading frame from histidine 334.
Molecular consequence: frameshift variant.
Genome position (GRCh38, 1-based): chr15:42,392,695, C deleted. VCF-style (leftmost placement, unchanged base first): chr15-42392694-AC-A. GRCh37 (hg19) VCF-style: chr15-42684892-AC-A.
Other names: c.1002del, p.His334fs (NM_024344.2); c.858del, p.His286fs (NM_173087.2); c.741delC, p.His247Glnfs (NM_212464.2); c.*695delC (NM_212467.2); short protein forms H286fs, H334fs.
Identifiers: ClinVar variation 2895671 (VCV002895671.3), dbSNP rs2548265616, ClinGen allele CA2628030908.